The following is an entry in ClinVar:

ClinVar aggregate classification (germline): Likely benign. Review status: criteria provided, multiple submitters, no conflicts (2 of 4 stars). 3 submissions from 3 submitters: Likely benign (3). Last evaluated 2025-10-23.

Conditions:
DYNC1H1-related disorder. Also called: DYNC1H1-related disorders; DYNC1H1-related condition. Identifiers: MedGen CN381529.
Charcot-Marie-Tooth disease axonal type 2O. Also called: Charcot-Marie-Tooth disease, axonal, type 20; CHARCOT-MARIE-TOOTH NEUROPATHY, AXONAL, TYPE 2O; CHARCOT-MARIE-TOOTH DISEASE, AXONAL, AUTOSOMAL DOMINANT, TYPE 2O; Charcot-Marie-Tooth Neuropathy Type 2O. Identifiers: Orphanet 284232, MedGen C3280220, MONDO:0013644, OMIM 614228.

Allele frequency attached by ClinVar (database versions not stated): gnomAD exomes 0.00002 and 0.00004; ExAC 0.00003; ESP Exome Variant Server 0.00008; TOPMed 0.00009; gnomAD 0.00010 and 0.00011.
gnomAD v4.1: 50 of 1,614,016 alleles (0.0031%); highest among the groups gnomAD compares: African/African-American, 0.027%; no homozygotes.

Submissions (3):

Labcorp Genetics (formerly Invitae), Labcorp
Classification: Likely benign for Charcot-Marie-Tooth disease axonal type 2O. Last evaluated: 2025-10-23. Review status: criteria provided, single submitter. Criteria: Invitae Variant Classification Sherloc (09022015). Collection method: clinical testing. Allele origin: germline.

PreventionGenetics, part of Exact Sciences
Classification: Likely benign for DYNC1H1-related condition. Last evaluated: 2024-12-06. Review status: criteria provided, single submitter. Criteria: ACMG Guidelines, 2015. Collection method: clinical testing. Allele origin: germline.
Comment: This variant is classified as likely benign based on ACMG/AMP sequence variant interpretation guidelines (Richards et al. 2015 PMID: 25741868, with internal and published modifications).

Blueprint Genetics
Classification: Likely benign. Last evaluated: 2019-07-08. Review status: criteria provided, single submitter. Criteria: ACMG Guidelines, 2015. Collection method: clinical testing. Allele origin: germline.

NM_001376.5(DYNC1H1):c.11175C>T (p.Asp3725=)

Gene: DYNC1H1 (dynein cytoplasmic 1 heavy chain 1; plus strand). Cytogenetic location: 14q32.31.
Variant type: single nucleotide variant.
Coding change: c.11175C>T on transcript NM_001376.5 (MANE Select); coding-DNA position 11175, C replaced by T.
Protein change: p.Asp3725=; no amino-acid change (aspartic acid 3725 retained).
Molecular consequence: synonymous variant.
Genome position (GRCh38, 1-based): chr14:102,038,817, C>T. VCF-style: chr14-102038817-C-T. GRCh37 (hg19) VCF-style: chr14-102505154-C-T.
Identifiers: ClinVar variation 702700 (VCV000702700.11), dbSNP rs376691723, ClinGen allele CA7353549.
Genomic context (GRCh38, chr14:102,038,817, plus strand): 5'-TAGCAGTTTACAAAGCCAGTGTCTAAATGAAGTACTTAAAGCAGAAAGACCTGATGTGGA[C>T]GAGAAACGATCTGATCTTCTTAAACTTCAAGGTAGGATCTGGACCTGTGGCTTTTAGATG-3'
Protein context (NP_001367.2, residues 3715-3735): EVLKAERPDV[Asp3725=]EKRSDLLKLQ